The following is an entry in ClinVar:

NM_138425.4(C12orf57):c.17C>G (p.Thr6Ser)

Gene: C12orf57 (chromosome 12 open reading frame 57; plus strand). Cytogenetic location: 12p13.31.
Variant type: single nucleotide variant.
Coding change: c.17C>G on transcript NM_138425.4 (MANE Select); coding-DNA position 17, C replaced by G.
Protein change: p.Thr6Ser; replaces threonine 6 with serine.
Molecular consequence: missense variant. On other transcripts: 5 prime UTR variant (1), non-coding transcript variant (1), intron variant (1).
Genome position (GRCh38, 1-based): chr12:6,944,138, C>G. VCF-style: chr12-6944138-C-G. GRCh37 (hg19) VCF-style: chr12-7053301-C-G.
Other names: c.17C>G, p.Thr6Ser (NM_001301834.1, NM_001301837.2); c.-185C>G (NM_001301838.2); c.14-338C>G (NM_001301836.2); short protein forms T6S.
Identifiers: ClinVar variation 862158 (VCV000862158.5), dbSNP rs782587036, ClinGen allele CA6421172.

ClinVar aggregate classification (germline): Uncertain significance (1 of 4 stars; one submission).

Conditions:
Temtamy syndrome (TEMTYS). Also called: MENTAL RETARDATION WITH OR WITHOUT CRANIOFACIAL DYSMORPHISM, OCULAR COLOBOMA, OR ABNORMAL CORPUS CALLOSUM. Identifiers: Orphanet 1777, MedGen C1857512, MONDO:0009033, OMIM 218340.

Allele frequency attached by ClinVar (database versions not stated): ExAC 0.00001; TOPMed 0.00001.

Submission:

Labcorp Genetics (formerly Invitae), Labcorp
Classification: Uncertain significance for Temtamy syndrome. Last evaluated: 2022-08-23. Review status: criteria provided, single submitter. Criteria: Invitae Variant Classification Sherloc (09022015). Collection method: clinical testing. Allele origin: germline.
Comment: This sequence change replaces threonine, which is neutral and polar, with serine, which is neutral and polar, at codon 6 of the C12orf57 protein (p.Thr6Ser). This variant is present in population databases (rs782587036, gnomAD 0.004%). This variant has not been reported in the literature in individuals affected with C12orf57-related conditions. ClinVar contains an entry for this variant (Variation ID: 862158). Algorithms developed to predict the effect of missense changes on protein structure and function output the following: SIFT: "Tolerated"; PolyPhen-2: "Benign"; Align-GVGD: "Class C0". The serine amino acid residue is found in multiple mammalian species, which suggests that this missense change does not adversely affect protein function. In summary, the available evidence is currently insufficient to determine the role of this variant in disease. Therefore, it has been classified as a Variant of Uncertain Significance.